The following is an entry in ClinVar:

NM_000053.4(ATP7B):c.2173A>T (p.Arg725Trp)

Gene: ATP7B (ATPase copper transporting beta; minus strand). Cytogenetic location: 13q14.3.
Variant type: single nucleotide variant.
Coding change: c.2173A>T on transcript NM_000053.4 (MANE Select); coding-DNA position 2173, A replaced by T.
Protein change: p.Arg725Trp; replaces arginine 725 with tryptophan.
Molecular consequence: missense variant. On other transcripts: intron variant (20).
Genome position (GRCh38, 1-based): chr13:51,958,493, T>A on the plus strand (A>T on the coding strand, the complement: ATP7B is on the minus strand). VCF-style: chr13-51958493-T-A. GRCh37 (hg19) VCF-style: chr13-52532629-T-A.
Other names: c.2173A>T, p.Arg725Trp (NM_001406519.1, NM_001406523.1, NM_001406525.1 and 7 more transcripts); c.1921A>T, p.Arg641Trp (NM_001406531.1, NM_001406532.1, NM_001406540.1 and 1 more transcripts); c.1744A>T, p.Arg582Trp (NM_001406539.1); c.1825A>T, p.Arg609Trp (NM_001406543.1); c.1870-886A>T (NM_001406541.1, NM_001005918.3, NM_001406546.1 and 1 more transcripts); c.2122-886A>T (NM_001406527.1, NM_001406528.1, NM_001406534.1 and 2 more transcripts); c.2122-93A>T (NM_001406537.1, NM_001406521.1, NM_001406522.1 and 1 more transcripts); c.1286-8332A>T (NM_001406548.1); and 8 more; short protein forms R582W, R609W, R614W, R641W, R693W, R714W, R725W.
Identifiers: ClinVar variation 3385431 (VCV003385431.1).

ClinVar aggregate classification (germline): Uncertain significance (1 of 4 stars; one submission).

Conditions:
Wilson disease (WND). Also called: Wilson's disease. Identifiers: Orphanet 905, MedGen C0019202, MONDO:0010200, OMIM 277900. Disease mechanism: loss of function.

Submission:

All of Us Research Program, National Institutes of Health
Classification: Uncertain significance for Wilson disease. Last evaluated: 2024-03-24. Review status: criteria provided, single submitter. Criteria: ACMG Guidelines, 2015. Collection method: clinical testing. Allele origin: germline. Inheritance: Autosomal recessive inheritance. Observed: 1 variant allele, 1 heterozygote.
Comment: This missense variant replaces arginine with tryptophan at codon 725 of the ATP7B protein. Computational prediction is inconclusive regarding the impact of this variant on protein structure and function. To our knowledge, functional studies have not been reported for this variant. This variant has not been reported in individuals affected with ATP7B-related disorders in the literature. This variant has not been identified in the general population by the Genome Aggregation Database (gnomAD). The available evidence is insufficient to determine the role of this variant in disease conclusively. Therefore, this variant is classified as a Variant of Uncertain Significance.

This study involves interpretation of variants in research participants for the purpose of population health screening. Participant phenotype was not available at the time of variant classification. Additional details can be found in publication PMID: 35346344, PMCID: PMC8962531